The following is an entry in ClinVar:

NM_015559.3(SETBP1):c.2572G>A (p.Glu858Lys)

Gene: SETBP1 (SET binding protein 1; plus strand). Cytogenetic location: 18q12.3.
Variant type: single nucleotide variant.
Coding change: c.2572G>A on transcript NM_015559.3 (MANE Select); coding-DNA position 2572, G replaced by A.
Protein change: p.Glu858Lys; replaces glutamic acid 858 with lysine.
Molecular consequence: missense variant.
Genome position (GRCh38, 1-based): chr18:44,951,912, G>A. VCF-style: chr18-44951912-G-A. GRCh37 (hg19) VCF-style: chr18-42531877-G-A.
Other names: c.2572G>A, p.Glu858Lys (LRG_1150t1); short protein forms E858K.
Identifiers: ClinVar variation 521296 (VCV000521296.19), dbSNP rs1178702025, ClinGen allele CA402321729.

ClinVar aggregate classification (germline): Pathogenic/Likely pathogenic. Review status: criteria provided, multiple submitters, no conflicts (2 of 4 stars). 7 submissions from 7 submitters: Pathogenic (6); Likely pathogenic (1). Last evaluated 2024-07-24.

Conditions:
Intellectual developmental disorder, autosomal dominant 29. Also called: SETBP1 Haploinsufficiency Disorder; Intellectual disability, autosomal dominant 29. Identifiers: Orphanet 436151, MedGen C4015141, MONDO:0014482, OMIM 616078.
Inborn genetic diseases. Identifiers: MedGen C0950123, MeSH D030342.
Schinzel-Giedion syndrome (SGS). Identifiers: Orphanet 798, MedGen C0265227, MONDO:0010010, OMIM 269150.

Allele frequency attached by ClinVar (database versions not stated): gnomAD exomes below 0.00001.
gnomAD v4.1: 1 of 1,613,910 alleles (0.000062%); highest among the groups gnomAD compares: Non-Finnish European, 0.000085%; no homozygotes.

Submissions (7):

Institute of Human Genetics, University of Leipzig Medical Center
Classification: Pathogenic for Schinzel-Giedion syndrome. Last evaluated: 2024-07-24. Review status: criteria provided, single submitter. Criteria: ACMG Guidelines, 2015. Collection method: clinical testing. Allele origin: unknown. Inheritance: Autosomal dominant inheritance. Affected: yes.
Comment: Criteria applied: PS2_VSTR,PS4,PM2_SUP

Institute for Clinical Genetics, University Hospital TU Dresden, University Hospital TU Dresden
Classification: Pathogenic for Schinzel-Giedion syndrome. Last evaluated: 2024-01-30. Review status: criteria provided, single submitter. Criteria: ACMG Guidelines, 2015. Collection method: clinical testing. Allele origin: de novo. Affected: yes.
Comment: he above-mentioned missense variant in the SETBP1 gene (NM_015559.3:c.2572G>A, p.(Glu858Lys)) leads to an amino acid exchange at position 858 in the corresponding protein due to a base exchange at position 2572 of the cDNA. Bioinformatic prediction algorithms do not indicate a generally increased sensitivity of the gene to missense variants (Z-score 1.84, PMID: 27535533) and estimate the effect of the variant on protein function as unclear (REVEL score 0.63, PMID: 27666373). An actual effect has not yet been functionally investigated. The variant localizes in the immediate vicinity of the degron sequence of the SKI domain relevant for ubiquitination in exon 4, where numerous other pathogenic missense variants also cluster (PMID 38452171). The variant has so far been classified in the ClinVar and DECIPHER databases 7 times as (probably) pathogenic in individuals with variable phenotypes (including SGS, intellectual disability), including 3 times de novo (DECIPHER IDs 279312, 287135). In the specialist literature, the variant was reported at least 3 times as the cause of disease in individuals with variable phenotypes (including developmental disorders, epilepsies and autism, PMIDs: 25363760, 35571021, 33391157). In the population database gnomAD v4.1.0, the variant is listed 1 time in an individual > 65 years of age, which may be a somatic change in the context of clonal hematopoiesis, since SETBP1 frequently occurs as a driver in myelodysplastic syndromes and leukemias (PMID: 28158286). According to current ACMG recommendations for variant evaluation (PMID 25741868), the criteria PS4_MOD, PS2, PM1 and PM2_SUP are fulfilled, resulting in an evaluation as a pathogenic variant (ACMG class 5).

Ambry Genetics
Classification: Pathogenic for Inborn genetic diseases. Last evaluated: 2023-11-20. Review status: criteria provided, single submitter. Criteria: Ambry Variant Classification Scheme 2023. Collection method: clinical testing. Allele origin: germline.
Comment: The c.2572G>A (p.E858K) alteration is located in exon 4 (coding exon 3) of the SETBP1 gene. This alteration results from a G to A substitution at nucleotide position 2572, causing the glutamic acid (E) at amino acid position 858 to be replaced by a lysine (K)._x000D_ _x000D_ for SETBP1-related neurodevelopmental disorder; however, its clinical significance for Schinzel-Giedion syndrome is uncertain. The SETBP1 c.2572G>A (p.E858K) alteration was flagged as a low confidence call in the Genome Aggregation Database (gnomAD). This variant has been reported in multiple individuals with features consistent with SETBP1-related neurodevelopmental disorder (De Rubeis, 2014; Leonardi; 2020; Dong, 2020; Chuan, 2022) including multiple de novo occurrences (DECIPHER v.9.32; external communication). This amino acid position is highly conserved in available vertebrate species. This alteration is predicted to be deleterious by in silico analysis. Based on the available evidence, this alteration is classified as pathogenic.

Labcorp Genetics (formerly Invitae), Labcorp
Classification: Pathogenic. Last evaluated: 2023-11-14. Review status: criteria provided, single submitter. Criteria: Invitae Variant Classification Sherloc (09022015). Collection method: clinical testing. Allele origin: germline.
Comment: This sequence change replaces glutamic acid, which is acidic and polar, with lysine, which is basic and polar, at codon 858 of the SETBP1 protein (p.Glu858Lys). This variant is not present in population databases (gnomAD no frequency). This missense change has been observed in individual(s) with clinical features of SETBP1-related conditions (PMID: 27824329, 32005694; Invitae). In at least one individual the variant was observed to be de novo. ClinVar contains an entry for this variant (Variation ID: 521296). Advanced modeling of protein sequence and biophysical properties (such as structural, functional, and spatial information, amino acid conservation, physicochemical variation, residue mobility, and thermodynamic stability) performed at Invitae indicates that this missense variant is expected to disrupt SETBP1 protein function with a positive predictive value of 80%. For these reasons, this variant has been classified as Pathogenic.

GeneDx
Classification: Pathogenic. Last evaluated: 2023-07-29. Review status: criteria provided, single submitter. Criteria: GeneDx Variant Classification Process June 2021. Collection method: clinical testing. Allele origin: germline. Affected: yes.
Comment: In silico analysis supports that this missense variant has a deleterious effect on protein structure/function; Not observed at significant frequency in large population cohorts (gnomAD); This variant is associated with the following publications: (PMID: 25028416, 25356899, 23832012, 31332282, 23222956, 25306901, 24695057, 23443343, 24127063, 28191890, 24267886, 23020937, 21037274, 20436468, 18398855, 29796729, 26185647, 29925043, 27509124, 28346496, 25663181, 25217958, 28714951, 32005694, 33391157, 34638574, 28158286, 31785789, 27824329, 28485484, 35571021)

Centre of Medical Genetics, University Hospital Muenster
Classification: Likely pathogenic. Last evaluated: 2022-03-02. Review status: criteria provided, single submitter. Criteria: ACMG Guidelines, 2015. Collection method: clinical testing. Allele origin: unknown. Affected: yes. Observed: 1 variant allele, 1 heterozygote.
Comment: ACMG categories: PS5,PM1,PM2,PP3

Victorian Clinical Genetics Services, Murdoch Childrens Research Institute
Classification: Pathogenic for Schinzel-Giedion syndrome. Last evaluated: 2021-05-06. Review status: criteria provided, single submitter. Criteria: ACMG Guidelines, 2015. Collection method: clinical testing. Allele origin: germline. Inheritance: Autosomal dominant inheritance. Affected: yes.
Comment: Based on the classification scheme VCGS_Germline_v1.3.4, this variant is classified as Pathogenic. Following criteria are met: 0103 - Loss of function and gain of function are known mechanisms of disease in this gene and are associated with autosomal dominant intellectual disability 29 (MIM#616078) and Schinzel-Giedion midface retraction syndrome (MIM#269150), respectively. The former is caused by premature termination variants, whereas the latter is caused by missense variants resulting in increased SETBP1 protein stability. (PMIDs: 28346496, 32460883, 25217958). (I) 0107 - This gene is associated with autosomal dominant disease. (I) 0200 - Variant is predicted to result in a missense amino acid change from glutamic acid to lysine. (I) 0251 - This variant is heterozygous. (I) 0301 - Variant is absent from gnomAD (both v2 and v3). (SP) 0502 - Missense variant with conflicting in silico predictions and uninformative conservation. (I) 0602 - Variant is located in a hotspot region or cluster of pathogenic variants (DECIPHER). (SP) 0705 - No comparable missense variants have previous evidence for pathogenicity. (I) 0801 - This variant has strong previous evidence of pathogenicity in unrelated individuals. It has been reported as in at least five individuals, three of whom was proven to be de novo (PMID: 25363760, 33391157, Clinvar, DECIPHER). (SP) 0905 - No published segregation evidence has been identified for this variant. (I) 1010 - Functional evidence for this variant is inconclusive. Transcriptome analysis performed on an individual with atypical chronic myeloid leukemia who was heterozygous for this variant, demonstrated differential expression of SETBP1 target genes. However, the individual's full genotype is unknown, therefore the observed effects cannot be conclusively attributed to this variant (PMID: 23222956 ). (I) 1208 - Inheritance information for this variant is not currently available in this individual. (I) Legend: (SP) - Supporting pathogenic, (I) - Information, (SB) - Supporting benign

Literature cited by the submitters: PubMed 20436468 (cited by Ambry Genetics); PubMed 25663181 (cited by Ambry Genetics); PubMed 27824329 (cited by Labcorp Genetics (formerly Invitae), Labcorp); PubMed 32005694 (cited by Labcorp Genetics (formerly Invitae), Labcorp); PubMed 23222956 (cited by Victorian Clinical Genetics Services, Murdoch Childrens Research Institute); PubMed 25217958 (cited by Victorian Clinical Genetics Services, Murdoch Childrens Research Institute); PubMed 25363760 (cited by Victorian Clinical Genetics Services, Murdoch Childrens Research Institute); PubMed 28346496 (cited by Victorian Clinical Genetics Services, Murdoch Childrens Research Institute); PubMed 32460883 (cited by Victorian Clinical Genetics Services, Murdoch Childrens Research Institute); PubMed 33391157 (cited by Victorian Clinical Genetics Services, Murdoch Childrens Research Institute).